The following is an entry in ClinVar:

ClinVar aggregate classification (germline): Uncertain significance (1 of 4 stars; one submission).

Allele frequency attached by ClinVar (database versions not stated): gnomAD exomes 0.00001; ExAC 0.00002.
gnomAD v4.1: 22 of 1,614,028 alleles (0.0014%); highest among the groups gnomAD compares: South Asian, 0.0088%; no homozygotes.

Submission:

Labcorp Genetics (formerly Invitae), Labcorp
Classification: Uncertain significance. Last evaluated: 2022-03-17. Review status: criteria provided, single submitter. Criteria: Invitae Variant Classification Sherloc (09022015). Collection method: clinical testing. Allele origin: germline.
Comment: This sequence change replaces arginine, which is basic and polar, with cysteine, which is neutral and slightly polar, at codon 1159 of the POLR3A protein (p.Arg1159Cys). In summary, the available evidence is currently insufficient to determine the role of this variant in disease. Therefore, it has been classified as a Variant of Uncertain Significance. Algorithms developed to predict the effect of missense changes on protein structure and function are either unavailable or do not agree on the potential impact of this missense change (SIFT: "Deleterious"; PolyPhen-2: "Possibly Damaging"; Align-GVGD: "Class C0"). This variant has not been reported in the literature in individuals affected with POLR3A-related conditions. This variant is present in population databases (rs772908045, gnomAD 0.003%).

NM_007055.4(POLR3A):c.3475C>T (p.Arg1159Cys)

Gene: POLR3A (RNA polymerase III subunit A; minus strand). Cytogenetic location: 10q22.3.
Variant type: single nucleotide variant.
Coding change: c.3475C>T on transcript NM_007055.4 (MANE Select); coding-DNA position 3475, C replaced by T.
Protein change: p.Arg1159Cys; replaces arginine 1159 with cysteine.
Molecular consequence: missense variant.
Genome position (GRCh38, 1-based): chr10:77,982,772, G>A on the plus strand (C>T on the coding strand, the complement: POLR3A is on the minus strand). VCF-style: chr10-77982772-G-A. GRCh37 (hg19) VCF-style: chr10-79742530-G-A.
Other names: short protein forms R1159C.
Identifiers: ClinVar variation 2156566 (VCV002156566.4), dbSNP rs772908045, ClinGen allele CA5570816.